The following is an entry in ClinVar:

ClinVar aggregate classification (germline): Pathogenic (1 of 4 stars; one submission).

Conditions:
Thyroglobulin synthesis defect (TDH5). Also called: HYPOTHYROIDISM, CONGENITAL, DUE TO DYSHORMONOGENESIS, 5; THYROID HORMONOGENESIS, GENETIC DEFECT IN, 5; Thyroid dyshormonogenesis 5. Identifiers: Orphanet 95716, MedGen C0342196, MONDO:0010137, OMIM 274900.

Submission:

Women's Health and Genetics/Laboratory Corporation of America, LabCorp
Classification: Pathogenic for Thyroglobulin synthesis defect. Last evaluated: 2024-08-16. Review status: criteria provided, single submitter. Criteria: LabCorp Variant Classification Summary - May 2015. Collection method: clinical testing. Allele origin: germline.
Comment: Variant summary: The variant involves the deletion of exons 1-6 in the DUOXA2 gene. A presumed nomenclature of c.(?_-281)_(*513_?)del has been designated for the purposes of this classification. This deletion includes the entire coding sequence of the gene. As the exact proximal and distal breakpoints are unknown, it may extend beyond the annotated region of the gene to include other flanking genes. The variant was absent in 21694 control chromosomes (gnomAD structural variants data set). A similar deletion has been reported in the literature in an individual affected with Congenital Hypothyroidism (Hulur_2011). The following publication has been ascertained in the context of this evaluation (PMID: 21367925). ClinVar contains an entry for this variant (Variation ID: 547142). Based on the evidence outlined above, the variant was classified as pathogenic.

Literature cited by the submitters: PubMed 21367925.

NC_000015.9:g.(?_45406523)_(45410620_?)del

Genes: DUOXA1 (dual oxidase maturation factor 1; minus strand), DUOXA2 (dual oxidase maturation factor 2; plus strand). Cytogenetic location: 15q21.1.
Variant type: Deletion.
Identifiers: ClinVar variation 3366765 (VCV003366765.1).